The following is an entry in ClinVar:

NM_001164508.2(NEB):c.2920C>T (p.Arg974Ter)

Gene: NEB (nebulin; minus strand). Cytogenetic location: 2q23.3.
Variant type: single nucleotide variant.
Coding change: c.2920C>T on transcript NM_001164508.2 (MANE Select); coding-DNA position 2920, C replaced by T.
Protein change: p.Arg974Ter; replaces arginine 974 with a stop codon.
Molecular consequence: nonsense.
Genome position (GRCh38, 1-based): chr2:151,682,685, G>A on the plus strand (C>T on the coding strand, the complement: NEB is on the minus strand). VCF-style: chr2-151682685-G-A. GRCh37 (hg19) VCF-style: chr2-152539199-G-A.
Other names: c.2920C>T, p.Arg974Ter (NM_001164507.2, NM_001271208.2, NM_004543.5); short protein forms R974*.
Identifiers: ClinVar variation 465594 (VCV000465594.16), dbSNP rs1553548666, ClinGen allele CA348821398.
Genomic context (GRCh38, chr2:151,682,685, plus strand): 5'-GTCACCACTCTCCCTCTGACACACCCAGTGGCTTTACCTCATTGAGGATGTCTGAAGCTC[G>A]CTTTGCCTTTTCCATTTCTAAGGACCCAAAAGGCACCCAGCCACAACCTTTCATCCAGCT-3'

ClinVar aggregate classification (germline): Pathogenic/Likely pathogenic. Review status: criteria provided, multiple submitters, no conflicts (2 of 4 stars). 6 submissions from 6 submitters: Pathogenic (3); Likely pathogenic (1). 2 of the submissions do not count toward it. Last evaluated 2026-02-05.

Conditions:
Arthrogryposis multiplex congenita 6. Identifiers: MedGen C5543431, MONDO:0030281, OMIM 619334.
Nemaline myopathy. Also called: Myopathies, Nemaline. Identifiers: Orphanet 607, MedGen C0206157, MONDO:0018958.
Nemaline myopathy 2 (NEM2). Also called: Nemaline myopathy 2, autosomal recessive. Identifiers: MedGen C1850569, MONDO:0009725, OMIM 256030.

Allele frequency attached by ClinVar (database versions not stated): TOPMed below 0.00001; gnomAD 0.00001.
gnomAD v4.1: 5 of 1,612,606 alleles (0.00031%); highest among the groups gnomAD compares: South Asian, 0.0022%; no homozygotes.

Submissions (6):

Dasa
Classification: Pathogenic. Last evaluated: 2026-02-05. Review status: criteria provided, single submitter. Criteria: DASA Assertion Criteria. Collection method: clinical testing. Allele origin: germline.
Comment: NM_001164508.2(NEB):c.2920C>T (p.Arg974*) introduces a premature termination codon predicted to result in loss of normal protein function. Loss-of-function is an established mechanism of disease for this gene. This variant has been observed in affected individuals with related phenotype in a genotype context consistent with recessive disease (PMID: 25205138; PMID: 26578207). This variant has been recurrently observed in individuals with related phenotype (PMID: 25205138; PMID: 26578207). The variant is present at low frequency in population datasets. Based on the available data, this variant is classified as pathogenic.

Labcorp Genetics (formerly Invitae), Labcorp
Classification: Pathogenic for Nemaline myopathy 2. Last evaluated: 2024-12-09. Review status: criteria provided, single submitter. Criteria: Invitae Variant Classification Sherloc (09022015). Collection method: clinical testing. Allele origin: germline.
Comment: This sequence change creates a premature translational stop signal (p.Arg974*) in the NEB gene. It is expected to result in an absent or disrupted protein product. Loss-of-function variants in NEB are known to be pathogenic (PMID: 25205138). This variant is not present in population databases (gnomAD no frequency). This premature translational stop signal has been observed in individual(s) with fetal akinesia with lethal multiple pterygia syndrome (PMID: 25205138, 26578207). ClinVar contains an entry for this variant (Variation ID: 465594). For these reasons, this variant has been classified as Pathogenic.

Natera, Inc.
Classification: Pathogenic for Nemaline myopathy type 2. Last evaluated: 2024-09-29. Review status: criteria provided, single submitter. Criteria: Natera Variant Classification Schema (03/2026). Collection method: clinical testing. Allele origin: germline.
Comment: The c.2920C>T variant in NEB is a nonsense variant predicted to introduce a stop codon at amino acid 974. This variant is expected to result in nonsense mediated decay, truncation, or a dysfunctional protein product. This variant is rare in the general population with a frequency below the threshold expected for the associated phenotype(s). This variant has been observed in one or more individuals affected with the associated recessive disease, as either homozygous or compound heterozygous with a second variant (PMID: 26578207). Given the available evidence, this variant is classified as Pathogenic.

Laboratory for Molecular Medicine, Mass General Brigham Personalized Medicine
Classification: Likely pathogenic for Nemaline myopathy. Last evaluated: 2022-11-03. Review status: criteria provided, single submitter. Criteria: ACMG Guidelines, 2015. Collection method: clinical testing. Allele origin: germline.
Comment: The p.Arg974X variant in NEB has been reported in the homozygous state in consanguineous monoamniotic twin fetuses with severe hydrops, bilateral joint contractures, bilateral talipes, multiple pterygia, hypertelorism and cystic hygromas (Todd 2015 PMID: 26578207). It is absent from ClinVar but observed in 1/68012 European (non-Finnish) in gnomAD. This nonsense variant leads to a premature termination codon at position 974, which is predicted to lead to a truncated or absent protein. Loss of function of the NEB gene is an established disease mechanism in autosomal recessive nemaline myopathy. In summary, although additional studies are required to fully establish its clinical significance, this variant meets criteria to be classified as likely pathogenic for autosomal recessive nemaline myopathy. ACMG/AMP Criteria applied: PM2_Supporting, PVS1.

OMIM
Classification: Pathogenic for ARTHROGRYPOSIS MULTIPLEX CONGENITA 6. Last evaluated: 2021-05-27. Review status: no assertion criteria provided. Collection method: literature only. Allele origin: germline. Not counted in ClinVar's aggregate classification.

Counsyl
Classification: Likely pathogenic for Nemaline myopathy 2. Last evaluated: 2017-10-02. Review status: no assertion criteria provided. Collection method: clinical testing. Allele origin: unknown. Not counted in ClinVar's aggregate classification.

Literature cited by the submitters: PubMed 25205138 (cited by Dasa and Labcorp Genetics (formerly Invitae), Labcorp); PubMed 26578207 (cited by 5 submitters).